The following is an entry in ClinVar:

ClinVar aggregate classification (germline): Uncertain significance (1 of 4 stars; one submission).

Conditions:
Aspartylglucosaminuria (AGU). Also called: AGA DEFICIENCY; GLYCOASPARAGINASE; GLYCOSYLASPARAGINASE DEFICIENCY; Aspartylglucos-aminuria; Aspartylglucos-amidase (AGA) deficiency. Identifiers: Orphanet 93, MedGen C0268225, MONDO:0008830, OMIM 208400, HP:0012068.

gnomAD v4.1: 1 of 1,613,408 alleles (0.000062%); highest among the groups gnomAD compares: Admixed American, 0.0017%; no homozygotes.

Submission:

Labcorp Genetics (formerly Invitae), Labcorp
Classification: Uncertain significance for Aspartylglucosaminuria. Last evaluated: 2022-09-14. Review status: criteria provided, single submitter. Criteria: Invitae Variant Classification Sherloc (09022015). Collection method: clinical testing. Allele origin: germline.
Comment: This sequence change replaces glycine, which is neutral and non-polar, with alanine, which is neutral and non-polar, at codon 186 of the AGA protein (p.Gly186Ala). This variant is not present in population databases (gnomAD no frequency). This variant has not been reported in the literature in individuals affected with AGA-related conditions. Algorithms developed to predict the effect of missense changes on protein structure and function (SIFT, PolyPhen-2, Align-GVGD) all suggest that this variant is likely to be tolerated. In summary, the available evidence is currently insufficient to determine the role of this variant in disease. Therefore, it has been classified as a Variant of Uncertain Significance.

NM_000027.4(AGA):c.557G>C (p.Gly186Ala)

Gene: AGA (aspartylglucosaminidase; minus strand). Cytogenetic location: 4q34.3.
Variant type: single nucleotide variant.
Coding change: c.557G>C on transcript NM_000027.4 (MANE Select); coding-DNA position 557, G replaced by C.
Protein change: p.Gly186Ala; replaces glycine 186 with alanine.
Molecular consequence: missense variant. On other transcripts: non-coding transcript variant (1).
Genome position (GRCh38, 1-based): chr4:177,437,470, C>G on the plus strand (G>C on the coding strand, the complement: AGA is on the minus strand). VCF-style: chr4-177437470-C-G. GRCh37 (hg19) VCF-style: chr4-178358624-C-G.
Other names: c.557G>C, p.Gly186Ala (NM_001171988.2); short protein forms G186A.
Identifiers: ClinVar variation 2199875 (VCV002199875.1), dbSNP rs2476862680, ClinGen allele CA358782813.